The following is an entry in ClinVar:

NM_005807.6(PRG4):c.2904C>T (p.Thr968=)

Gene: PRG4 (proteoglycan 4; plus strand). Cytogenetic location: 1q31.1.
Variant type: single nucleotide variant.
Coding change: c.2904C>T on transcript NM_005807.6 (MANE Select); coding-DNA position 2904, C replaced by T.
Protein change: p.Thr968=; no amino-acid change (threonine 968 retained).
Molecular consequence: synonymous variant.
Genome position (GRCh38, 1-based): chr1:186,308,623, C>T. VCF-style: chr1-186308623-C-T. GRCh37 (hg19) VCF-style: chr1-186277755-C-T.
Other names: c.2781C>T, p.Thr927= (NM_001127708.3); c.2625C>T, p.Thr875= (NM_001127709.3); c.2502C>T, p.Thr834= (NM_001127710.3); c.2775C>T, p.Thr925= (NM_001303232.2).
Identifiers: ClinVar variation 3053319 (VCV003053319.2), dbSNP rs772362320, ClinGen allele CA1296516.

ClinVar aggregate classification (germline): Likely benign (0 of 4 stars; one submission).

Conditions:
PRG4-related disorder. Also called: PRG4-related condition.

Allele frequency attached by ClinVar (database versions not stated): ExAC 0.00001; gnomAD 0.00001; TOPMed 0.00005; gnomAD exomes 0.00007.
gnomAD v4.1: 108 of 1,612,686 alleles (0.0067%); highest among the groups gnomAD compares: Middle Eastern, 0.016%; no homozygotes.

Submission:

PreventionGenetics, part of Exact Sciences
Classification: Likely benign for PRG4-related condition. Last evaluated: 2019-08-16. Review status: no assertion criteria provided. Collection method: clinical testing. Allele origin: germline.
Comment: This variant is classified as likely benign based on ACMG/AMP sequence variant interpretation guidelines (Richards et al. 2015 PMID: 25741868, with internal and published modifications).